The following is an entry in ClinVar:

NM_001308093.3(GATA4):c.1155C>G (p.Phe385Leu)

Gene: GATA4 (GATA binding protein 4). Cytogenetic location: 8p23.1.
Variant type: single nucleotide variant.
Coding change: c.1155C>G on transcript NM_001308093.3 (MANE Select); coding-DNA position 1155, C replaced by G.
Protein change: p.Phe385Leu; replaces phenylalanine 385 with leucine.
Molecular consequence: missense variant.
Genome position (GRCh38, 1-based): chr8:11,758,298, C>G. VCF-style: chr8-11758298-C-G. GRCh37 (hg19) VCF-style: chr8-11615807-C-G.
Other names: c.534C>G, p.Phe178Leu (NM_001308094.2, NM_001374273.1); c.408C>G, p.Phe136Leu (NM_001374274.1); c.1152C>G, p.Phe384Leu (NM_002052.5); short protein forms F136L, F385L, F178L, F384L.
Identifiers: ClinVar variation 1375550 (VCV001375550.9), dbSNP rs957671450, ClinGen allele CA172121361.

ClinVar aggregate classification (germline): Uncertain significance. Review status: criteria provided, multiple submitters, no conflicts (2 of 4 stars). 2 submissions from 2 submitters: Uncertain significance (2). Last evaluated 2024-11-10.

Conditions:
Cardiovascular phenotype. Identifiers: MedGen CN230736.
Atrioventricular septal defect 4 (AVSD4). Identifiers: MedGen C3280781, MONDO:0013747, OMIM 614430.

Allele frequency attached by ClinVar (database versions not stated): gnomAD exomes below 0.00001.
gnomAD v4.1: 7 of 1,614,058 alleles (0.00043%); highest among the groups gnomAD compares: East Asian, 0.0089%; no homozygotes.

Submissions (2):

Ambry Genetics
Classification: Uncertain significance for Cardiovascular phenotype. Last evaluated: 2024-11-10. Review status: criteria provided, single submitter. Criteria: Ambry Variant Classification Scheme 2023. Collection method: clinical testing. Allele origin: germline.
Comment: The p.F384L variant (also known as c.1152C>G), located in coding exon 6 of the GATA4 gene, results from a C to G substitution at nucleotide position 1152. The phenylalanine at codon 384 is replaced by leucine, an amino acid with highly similar properties. This amino acid position is conserved. In addition, the in silico prediction for this alteration is inconclusive. Since supporting evidence is limited at this time, the clinical significance of this alteration remains unclear.

Labcorp Genetics (formerly Invitae), Labcorp
Classification: Uncertain significance for Atrioventricular septal defect 4. Last evaluated: 2024-10-01. Review status: criteria provided, single submitter. Criteria: Invitae Variant Classification Sherloc (09022015). Collection method: clinical testing. Allele origin: germline.
Comment: This sequence change replaces phenylalanine, which is neutral and non-polar, with leucine, which is neutral and non-polar, at codon 384 of the GATA4 protein (p.Phe384Leu). This variant is present in population databases (no rsID available, gnomAD no frequency). This variant has not been reported in the literature in individuals affected with GATA4-related conditions. ClinVar contains an entry for this variant (Variation ID: 1375550). Invitae Evidence Modeling of protein sequence and biophysical properties (such as structural, functional, and spatial information, amino acid conservation, physicochemical variation, residue mobility, and thermodynamic stability) indicates that this missense variant is not expected to disrupt GATA4 protein function with a negative predictive value of 80%. In summary, the available evidence is currently insufficient to determine the role of this variant in disease. Therefore, it has been classified as a Variant of Uncertain Significance.